The following is an entry in ClinVar:

NM_000548.5(TSC2):c.1626C>G (p.Pro542=)

Gene: TSC2 (TSC complex subunit 2; plus strand). Cytogenetic location: 16p13.3.
Variant type: single nucleotide variant.
Coding change: c.1626C>G on transcript NM_000548.5 (MANE Select); coding-DNA position 1626, C replaced by G.
Protein change: p.Pro542=; no amino-acid change (proline 542 retained).
Molecular consequence: synonymous variant.
Genome position (GRCh38, 1-based): chr16:2,065,545, C>G. VCF-style: chr16-2065545-C-G. GRCh37 (hg19) VCF-style: chr16-2115546-C-G.
Other names: c.1626C>G, p.Pro542= (NM_001077183.3, NM_001114382.3, NM_001363528.2 and 3 more transcripts); c.1515C>G, p.Pro505= (NM_001318827.2); c.1479C>G, p.Pro493= (NM_001318829.2); c.1026C>G, p.Pro342= (NM_001318831.2); c.1659C>G, p.Pro553= (NM_001318832.2).
Identifiers: ClinVar variation 1128670 (VCV001128670.13), dbSNP rs376234285, ClinGen allele CA276731044.
Genomic context (GRCh38, chr16:2,065,545, plus strand): 5'-AGCCTGTGTGTAAGTCCTGGCCTTCTCTTCAAAGGTGATGGCCCGCTCCCTCTCCCCACC[C>G]CCGGAGCTGGAAGAAAGGGATGTGGCCGCATACTCGGCCTCCTTGGAGGATGTGAAGACA-3'
Protein context (NP_000539.2, residues 532-552): EKVMARSLSP[Pro542=]PELEERDVAA

ClinVar aggregate classification (germline): Benign/Likely benign. Review status: criteria provided, multiple submitters, no conflicts (2 of 4 stars). 3 submissions from 3 submitters: Benign (1); Likely benign (2). Last evaluated 2025-08-07.

Conditions:
Tuberous sclerosis 2 (TSC2). Identifiers: Orphanet 805, MedGen C1860707, MONDO:0013199, OMIM 613254.
Hereditary cancer-predisposing syndrome. Also called: Neoplastic Syndromes, Hereditary; Tumor predisposition; Hereditary Cancer Syndrome; Hereditary neoplastic syndrome. Identifiers: Orphanet 140162, MedGen C0027672, MeSH D009386, MONDO:0015356.

Submissions (3):

Labcorp Genetics (formerly Invitae), Labcorp
Classification: Likely benign for Tuberous sclerosis 2. Last evaluated: 2025-08-07. Review status: criteria provided, single submitter. Criteria: Invitae Variant Classification Sherloc (09022015). Collection method: clinical testing. Allele origin: germline.

Myriad Genetics, Inc.
Classification: Benign for Tuberous sclerosis 2. Last evaluated: 2025-05-15. Review status: criteria provided, single submitter. Criteria: Myriad Autosomal Dominant, Autosomal Recessive and X-Linked Classification Criteria (2023). Collection method: clinical testing. Allele origin: unknown.
Comment: This variant is considered benign. This variant is a silent/synonymous amino acid change and it is not expected to impact splicing.

Ambry Genetics
Classification: Likely benign for Hereditary cancer-predisposing syndrome. Last evaluated: 2021-05-11. Review status: criteria provided, single submitter. Criteria: Ambry Variant Classification Scheme 2023. Collection method: clinical testing. Allele origin: germline.